The following is an entry in ClinVar:

ClinVar aggregate classification (germline): Uncertain significance. Review status: criteria provided, multiple submitters, no conflicts (2 of 4 stars). 2 submissions from 2 submitters: Uncertain significance (2). Last evaluated 2025-04-02.

gnomAD v4.1: 1 of 1,596,872 alleles (0.000063%); highest among the groups gnomAD compares: Non-Finnish European, 0.000085%; no homozygotes.

Submissions (2):

Ambry Genetics
Classification: Uncertain significance. Last evaluated: 2025-04-02. Review status: criteria provided, single submitter. Criteria: Ambry Variant Classification Scheme 2023. Collection method: clinical testing. Allele origin: germline.
Comment: The p.T889A variant (also known as c.2665A>G), located in coding exon 13 of the GEN1 gene, results from an A to G substitution at nucleotide position 2665. The threonine at codon 889 is replaced by alanine, an amino acid with similar properties. This amino acid position is conserved. In addition, this alteration is predicted to be tolerated by in silico analysis. Based on the available evidence, the clinical significance of this variant remains unclear.

Labcorp Genetics (formerly Invitae), Labcorp
Classification: Uncertain significance. Last evaluated: 2020-02-05. Review status: criteria provided, single submitter. Criteria: Invitae Variant Classification Sherloc (09022015). Collection method: clinical testing. Allele origin: germline.
Comment: This variant has not been reported in the literature in individuals with GEN1-related conditions. This variant is not present in population databases (ExAC no frequency). Algorithms developed to predict the effect of missense changes on protein structure and function output the following: SIFT: "Tolerated"; PolyPhen-2: "Benign"; Align-GVGD: "Class C0". The alanine amino acid residue is found in multiple mammalian species, suggesting that this missense change does not adversely affect protein function. These predictions have not been confirmed by published functional studies and their clinical significance is uncertain. In summary, the available evidence is currently insufficient to determine the role of this variant in disease. Therefore, it has been classified as a Variant of Uncertain Significance. This sequence change replaces threonine with alanine at codon 889 of the GEN1 protein (p.Thr889Ala). The threonine residue is weakly conserved and there is a small physicochemical difference between threonine and alanine.

NM_001130009.3(GEN1):c.2665A>G (p.Thr889Ala)

Gene: GEN1 (GEN1 structure-specific endonuclease; plus strand). Cytogenetic location: 2p24.2.
Variant type: single nucleotide variant.
Coding change: c.2665A>G on transcript NM_001130009.3 (MANE Select); coding-DNA position 2665, A replaced by G.
Protein change: p.Thr889Ala; replaces threonine 889 with alanine.
Molecular consequence: missense variant.
Genome position (GRCh38, 1-based): chr2:17,781,877, A>G. VCF-style: chr2-17781877-A-G. GRCh37 (hg19) VCF-style: chr2-17963144-A-G.
Other names: c.2665A>G, p.Thr889Ala (NM_182625.5); c.2665A>G (NM_001130009.1); short protein forms T889A.
Identifiers: ClinVar variation 1005691 (VCV001005691.10), dbSNP rs1672859787, ClinGen allele CA345928558.